The following is an entry in ClinVar:

ClinVar aggregate classification (germline): Uncertain significance (1 of 4 stars; one submission).

Submission:

Labcorp Genetics (formerly Invitae), Labcorp
Classification: Uncertain significance. Last evaluated: 2022-08-29. Review status: criteria provided, single submitter. Criteria: Invitae Variant Classification Sherloc (09022015). Collection method: clinical testing. Allele origin: germline.
Comment: This variant is not present in population databases (gnomAD no frequency). In summary, the available evidence is currently insufficient to determine the role of this variant in disease. Therefore, it has been classified as a Variant of Uncertain Significance. Algorithms developed to predict the effect of missense changes on protein structure and function (SIFT, PolyPhen-2, Align-GVGD) all suggest that this variant is likely to be tolerated. This variant has not been reported in the literature in individuals affected with TBX18-related conditions. This sequence change replaces alanine, which is neutral and non-polar, with proline, which is neutral and non-polar, at codon 74 of the TBX18 protein (p.Ala74Pro).

NM_001080508.3(TBX18):c.220G>C (p.Ala74Pro)

Gene: TBX18 (T-box transcription factor 18; minus strand). Cytogenetic location: 6q14.3.
Variant type: single nucleotide variant.
Coding change: c.220G>C on transcript NM_001080508.3 (MANE Select); coding-DNA position 220, G replaced by C.
Protein change: p.Ala74Pro; replaces alanine 74 with proline.
Molecular consequence: missense variant.
Genome position (GRCh38, 1-based): chr6:84,763,962, C>G on the plus strand (G>C on the coding strand, the complement: TBX18 is on the minus strand). VCF-style: chr6-84763962-C-G. GRCh37 (hg19) VCF-style: chr6-85473680-C-G.
Other names: short protein forms A74P.
Identifiers: ClinVar variation 2027748 (VCV002027748.4), dbSNP rs1332354278, ClinGen allele CA364892592.